The following is an entry in ClinVar:

NM_000260.4(MYO7A):c.1820C>A (p.Ser607Ter)

Gene: MYO7A (myosin VIIA; plus strand). Cytogenetic location: 11q13.5.
Variant type: single nucleotide variant.
Coding change: c.1820C>A on transcript NM_000260.4 (MANE Select); coding-DNA position 1820, C replaced by A.
Protein change: p.Ser607Ter; replaces serine 607 with a stop codon.
Molecular consequence: nonsense.
Genome position (GRCh38, 1-based): chr11:77,172,770, C>A. VCF-style: chr11-77172770-C-A. GRCh37 (hg19) VCF-style: chr11-76883816-C-A.
Other names: c.1820C>A, p.Ser607Ter (NM_001127180.2); c.1787C>A, p.Ser596Ter (NM_001369365.1); short protein forms S607*, S596*.
Identifiers: ClinVar variation 504126 (VCV000504126.46), dbSNP rs782598897, ClinGen allele CA381938236.

ClinVar aggregate classification (germline): Pathogenic/Likely pathogenic. Review status: criteria provided, multiple submitters, no conflicts (2 of 4 stars). 4 submissions from 4 submitters: Pathogenic (3); Likely pathogenic (1). Last evaluated 2025-11-17.

Conditions:
MYO7A-related disorder. Also called: MYO7A-related disorders.

gnomAD v4.1: 3 of 1,559,040 alleles (0.00019%); highest among the groups gnomAD compares: Non-Finnish European, 0.00026%; no homozygotes.

Submissions (4):

Labcorp Genetics (formerly Invitae), Labcorp
Classification: Pathogenic. Last evaluated: 2025-11-17. Review status: criteria provided, single submitter. Criteria: Invitae Variant Classification Sherloc (09022015). Collection method: clinical testing. Allele origin: germline.
Comment: This sequence change creates a premature translational stop signal (p.Ser607*) in the MYO7A gene. It is expected to result in an absent or disrupted protein product. Loss-of-function variants in MYO7A are known to be pathogenic (PMID: 8900236, 25404053). This variant is not present in population databases (gnomAD no frequency). This premature translational stop signal has been observed in individual(s) with clinical features of autosomal recessive retinitis pigmentosa (PMID: 28559085). ClinVar contains an entry for this variant (Variation ID: 504126). For these reasons, this variant has been classified as Pathogenic.

Blueprint Genetics
Classification: Pathogenic for MYO7A-related disorders. Last evaluated: 2022-04-18. Review status: criteria provided, single submitter. Criteria: ACMG Guidelines, 2015. Collection method: clinical testing. Allele origin: germline. Affected: yes. Observed: 2 variant alleles.

CeGaT Center for Human Genetics Tuebingen
Classification: Pathogenic. Last evaluated: 2021-03-01. Review status: criteria provided, single submitter. Criteria: CeGaT Center For Human Genetics Tuebingen Variant Classification Criteria Version 2. Collection method: clinical testing. Allele origin: germline. Affected: yes. Observed: 1 variant allele.

GeneDx
Classification: Likely pathogenic. Last evaluated: 2018-02-05. Review status: criteria provided, single submitter. Criteria: GeneDx Variant Classification (06012015). Collection method: clinical testing. Allele origin: germline. Affected: yes.
Comment: The S607X nonsense variant in the MYO7A gene has not been published as a pathogenic variant, nor has it been reported as a benign variant to our knowledge. This variant is predicted to cause loss of normal protein function either through protein truncation or nonsense-mediated mRNA decay. The S607X variant is not observed in large population cohorts (Lek et al., 2016). Based on currently available evidence, we classify S607X as a likely pathogenic variant.

Literature cited by the submitters: PubMed 8900236 (cited by Labcorp Genetics (formerly Invitae), Labcorp); PubMed 25404053 (cited by Labcorp Genetics (formerly Invitae), Labcorp); PubMed 28559085 (cited by Labcorp Genetics (formerly Invitae), Labcorp).